The following is an entry in ClinVar:

ClinVar aggregate classification (germline): Uncertain significance. Review status: criteria provided, multiple submitters, no conflicts (2 of 4 stars). 2 submissions from 2 submitters: Uncertain significance (2). Last evaluated 2024-02-13.

Conditions:
Peroxisome biogenesis disorder 5A (Zellweger) (PBD5A). Identifiers: Orphanet 912, MedGen C3553940, MONDO:0013932, OMIM 614866.

Allele frequency attached by ClinVar (database versions not stated): gnomAD 0.00002; gnomAD exomes 0.00002; TOPMed 0.00002.
gnomAD v4.1: 37 of 1,612,204 alleles (0.0023%); highest among the groups gnomAD compares: Non-Finnish European, 0.0031%; no homozygotes.

Submissions (2):

Blueprint Genetics
Classification: Uncertain significance. Last evaluated: 2024-02-13. Review status: criteria provided, single submitter. Criteria: ACMG Guidelines, 2015. Collection method: clinical testing. Allele origin: germline.

Labcorp Genetics (formerly Invitae), Labcorp
Classification: Uncertain significance for Peroxisome biogenesis disorder 5A (Zellweger). Last evaluated: 2023-10-09. Review status: criteria provided, single submitter. Criteria: Invitae Variant Classification Sherloc (09022015). Collection method: clinical testing. Allele origin: germline.
Comment: This sequence change replaces tryptophan, which is neutral and slightly polar, with serine, which is neutral and polar, at codon 34 of the PEX2 protein (p.Trp34Ser). This variant is present in population databases (no rsID available, gnomAD 0.005%). This variant has not been reported in the literature in individuals affected with PEX2-related conditions. ClinVar contains an entry for this variant (Variation ID: 2085143). Advanced modeling of protein sequence and biophysical properties (such as structural, functional, and spatial information, amino acid conservation, physicochemical variation, residue mobility, and thermodynamic stability) performed at Invitae indicates that this missense variant is not expected to disrupt PEX2 protein function. In summary, the available evidence is currently insufficient to determine the role of this variant in disease. Therefore, it has been classified as a Variant of Uncertain Significance.

NM_000318.3(PEX2):c.101G>C (p.Trp34Ser)

Gene: PEX2 (peroxisomal biogenesis factor 2; minus strand). Cytogenetic location: 8q21.13.
Variant type: single nucleotide variant.
Coding change: c.101G>C on transcript NM_000318.3 (MANE Select); coding-DNA position 101, G replaced by C.
Protein change: p.Trp34Ser; replaces tryptophan 34 with serine.
Molecular consequence: missense variant.
Genome position (GRCh38, 1-based): chr8:76,984,078, C>G on the plus strand (G>C on the coding strand, the complement: PEX2 is on the minus strand). VCF-style: chr8-76984078-C-G. GRCh37 (hg19) VCF-style: chr8-77896314-C-G.
Other names: c.101G>C, p.Trp34Ser (NM_001079867.2, NM_001172086.2, NM_001172087.2); short protein forms W34S.
Identifiers: ClinVar variation 2085143 (VCV002085143.3), dbSNP rs989799295, ClinGen allele CA179988283.